The following is an entry in ClinVar:

NM_000528.4(MAN2B1):c.1554G>A (p.Leu518=)

Gene: MAN2B1 (mannosidase alpha class 2B member 1; minus strand). Cytogenetic location: 19p13.13.
Variant type: single nucleotide variant.
Coding change: c.1554G>A on transcript NM_000528.4 (MANE Select); coding-DNA position 1554, G replaced by A.
Protein change: p.Leu518=; no amino-acid change (leucine 518 retained).
Molecular consequence: synonymous variant.
Genome position (GRCh38, 1-based): chr19:12,656,661, C>T on the plus strand (G>A on the coding strand, the complement: MAN2B1 is on the minus strand). VCF-style: chr19-12656661-C-T. GRCh37 (hg19) VCF-style: chr19-12767475-C-T.
Other names: c.1551G>A, p.Leu517= (NM_001173498.2).
Identifiers: ClinVar variation 2151635 (VCV002151635.2), dbSNP rs763582350, ClinGen allele CA9226392.

ClinVar aggregate classification (germline): Uncertain significance (1 of 4 stars; one submission).

Conditions:
Deficiency of alpha-mannosidase (MANSA). Also called: LYSOSOMAL ALPHA-D-MANNOSIDASE DEFICIENCY; Alpha-Mannosidosis; Mannosidosis, alpha-, types I and II. Identifiers: Orphanet 61, MedGen C0024748, MONDO:0009561, OMIM 248500.

Allele frequency attached by ClinVar (database versions not stated): ExAC 0.00003; gnomAD 0.00003; TOPMed 0.00003; gnomAD exomes 0.00004.
gnomAD v4.1: 62 of 1,613,858 alleles (0.0038%); highest among the groups gnomAD compares: Non-Finnish European, 0.0052%; no homozygotes.

Submission:

Labcorp Genetics (formerly Invitae), Labcorp
Classification: Uncertain significance for Deficiency of alpha-mannosidase. Last evaluated: 2025-10-02. Review status: criteria provided, single submitter. Criteria: Invitae Variant Classification Sherloc (09022015). Collection method: clinical testing. Allele origin: germline.
Comment: This sequence change affects codon 518 of the MAN2B1 mRNA. It is a 'silent' change, meaning that it does not change the encoded amino acid sequence of the MAN2B1 protein. This variant is present in population databases (rs763582350, gnomAD 0.004%). This variant has not been reported in the literature in individuals affected with MAN2B1-related conditions. ClinVar contains an entry for this variant (Variation ID: 2151635). Algorithms developed to predict the effect of sequence changes on RNA splicing suggest that this variant may create or strengthen a splice site. In summary, the available evidence is currently insufficient to determine the role of this variant in disease. Therefore, it has been classified as a Variant of Uncertain Significance.